The following is an entry in ClinVar:

NM_000152.5(GAA):c.1538A>G (p.Asp513Gly)

Gene: GAA (alpha glucosidase; plus strand). Cytogenetic location: 17q25.3.
Variant type: single nucleotide variant.
Coding change: c.1538A>G on transcript NM_000152.5 (MANE Select); coding-DNA position 1538, A replaced by G.
Protein change: p.Asp513Gly; replaces aspartic acid 513 with glycine.
Molecular consequence: missense variant.
Genome position (GRCh38, 1-based): chr17:80,110,827, A>G. VCF-style: chr17-80110827-A-G. GRCh37 (hg19) VCF-style: chr17-78084626-A-G.
Other names: NM_000152.5(GAA):c.1538A>G; p.Asp513Gly; c.1538A>G, p.Asp513Gly (NM_001079803.3, NM_001079804.3); short protein forms D513G.
Identifiers: ClinVar variation 638014 (VCV000638014.6), dbSNP rs1598581682, ClinGen allele CA401367134.
Genomic context (GRCh38, chr17:80,110,827, plus strand): 5'-CCACAGCCCTGGCCTGGTGGGAGGACATGGTGGCTGAGTTCCATGACCAGGTGCCCTTCG[A>G]CGGCATGTGGATTGTAAGTGTGGCCCCCTCCTGAGCATCCCCAAGGCCTCTGGGGACTAC-3'
Protein context (NP_000143.2, residues 503-523): VAEFHDQVPF[Asp513Gly]GMWIDMNEPS

ClinVar aggregate classification (germline): Likely pathogenic. Review status: reviewed by expert panel (3 of 4 stars). 4 submissions from 4 submitters: Likely pathogenic (1). 3 of the submissions do not count toward it. Last evaluated 2023-07-18.

Conditions:
Glycogen storage disease, type II (IOPD). Also called: CARDIOMEGALIA GLYCOGENICA DIFFUSA; POMPE DISEASE, INFANTILE-ONSET; GLYCOGEN STORAGE DISEASE II, INFANTILE-ONSET; ACID ALPHA-GLUCOSIDASE DEFICIENCY, INFANTILE-ONSET; GAA DEFICIENCY, INFANTILE-ONSET; ACID MALTASE DEFICIENCY, INFANTILE-ONSET. Identifiers: Orphanet 365, MedGen C0017921, MONDO:0009290, OMIM 232300.

Submissions (4):

ClinGen Lysosomal Storage Disorder Variant Curation Expert Panel
Classification: Likely pathogenic for Glycogen storage disease, type II. Last evaluated: 2023-07-18. Review status: reviewed by expert panel. Criteria: clingen_lsd_acmg_specifications_v2-1. Collection method: curation. Allele origin: germline. Inheritance: Autosomal recessive inheritance.
Comment: The NM_000152.5:c.1538A>G variant in GAA is a missense variant predicted to cause substitution of aspartic acid by glycine at amino acid 513 (p.Asp513Gly). This variant has been detected in two individuals with clinical features of Pompe disease. One patient with infantile-onset Pompe disease had documented GAA deficiency with 0%, less than 10% of normal mean control level of GAA activity in leukocytes (PMID 31510962). (PP4_Moderate). These two individuals were homozygous for the variant (PM3 1.0 point, PMID 31510962, clinical laboratory data) (PM3). This variant is absent in gnomAD v2.1.1 (PM2_Supporting). Expression of the variant in COS-7 cells resulted in 0.76% wild type GAA activity in cells and 0% in medium (<5%), and evidence of abnormal GAA synthesis and processing on Western blot, leading the variant to be described as Class B “potentially less severe” (Table 4), indicating that this variant may impact protein function (PMID 31510962) (PS3_Supporting). The computational predictor REVEL gives a score of 0.965 which is above the threshold of 0.7, evidence that correlates with impact to GAA function (PP3). There is a ClinVar entry for this variant (Variation ID: 638014). In summary, this variant meets the criteria to be classified as likely pathogenic for Pompe disease. GAA-specific ACMG/AMP criteria applied, as specified by the ClinGen LSD VCEP (specifications version 2.0): PP4_Moderate, PM3, PM2_Supporting, PS3_Supporting, PP3. (Classification approved by the ClinGen Lysosomal Diseases VCEP on July 18, 2023)

Genomenon, Inc
Classification: Uncertain significance for Glycogen storage disease, type II. Last evaluated: 2026-07-01. Review status: criteria provided, single submitter. Criteria: Genomenon Sequence Variant Interpretation Standards - Updated. Collection method: curation. Allele origin: germline. Affected: yes. Not counted in ClinVar's aggregate classification.
Comment: GAA p.Asp513Gly (c.1538A>G) is a missense variant that changes the amino acid at codon 513 from Aspartic acid to Glycine. This variant has been observed in at least one proband with a GAA-related disorder in the compound heterozygous and/or homozygous state (PMID:31510962). At least one functional study has demonstrated a substantial alteration in protein function relative to the wild-type (PMID:31510962). It is absent or not present at a significant frequency in gnomAD. In silico models predict that this variant is possibly or probably damaging. In conclusion, we classify GAA p.Asp513Gly (c.1538A>G) as a variant of uncertain significance.

Natera, Inc.
Classification: Likely pathogenic for Glycogen storage disease type II. Last evaluated: 2024-12-26. Review status: criteria provided, single submitter. Criteria: Natera Variant Classification Schema (03/2026). Collection method: clinical testing. Allele origin: germline. Not counted in ClinVar's aggregate classification.
Comment: The c.1538A>G variant in GAA is a missense variant predicted to cause substitution of aspartic acid to glycine at amino acid 513. This variant is rare in the general population with a frequency below the threshold expected for the associated phenotype(s). This variant has been identified in one or more affected individuals with a phenotype highly consistent with the associated gene (PMID: 31510962). Functional studies show that this variant may disrupt protein function (PMID: 31510962). Computational prediction algorithms indicate this variant is likely to affect gene or protein function. Given the available evidence, this variant is classified as Likely Pathogenic.

Department of Pediatrics, Division of Medical Genetics, Faculty of Medicine Ramathibodi Hospital, Mahidol University
Classification: Pathogenic for Glycogen storage disease, type II. Last evaluated: 2019-07-10. Review status: no assertion criteria provided. Collection method: clinical testing, in vitro. Allele origin: germline, not applicable. Inheritance: Autosomal recessive inheritance. Affected: yes. Observed: 1 homozygote. Not counted in ClinVar's aggregate classification.
Comment: This sequence change replaces glutamic acid with glycine at codon 513 of the GAA protein (p.D513G). This variant is absent at least 240 control alleles based on our in-house whole exome database. This variant has not been reported in the literature in individuals with GAA-related disease. Algorithms developed to predict the effect of missense changes on protein structure and function (SIFT, Polyphen-2, PredictSNP2, CADD, DANN, FATHMM, and FunSeq2) all suggest that this variant is damaging/deleterious. The p.D513 residue has been reported to be important for posttranslational modification and intracellular transport of GAA precursor (Hermans et al. 1991). Our in vitro study demonstrated that p.D513G did not interfere with the synthesis of the precursor protein but disturbed protein processing and secretion. This variant displayed enzyme activity equivalent to negative control. Based on 3D structure available (PDB: 5NN8), the p.D513 residue is located at the N-terminus of the fourth beta-stand of the catalytic domain. The interactions of p. D513 which help to position the beta-strand and thus the catalytic acid/base, include salt bridge hydrogen bonds with p.H432 and p.R591 at the C-terminal ends of the second and fourth alpha-helices of the (beta/alpha)8 barrel. Therefore p.D513 has a crucial role in stabilizing the ((beta/alpha)8 structure that is responsible for holding the two catalytic residues and the substrate in the exact position for hydrolysis. Replacing the Aspartic residue with Glycine will result in the loss of this charged H-bonding network, which should significantly destabilize this structure. In summary, due to the available evidence, we interpret this variant has been classified as Pathogenic.

Literature cited by the submitters: PubMed 31510962 (cited by 3 submitters).